The following is an entry in ClinVar:

ClinVar aggregate classification (germline): Uncertain significance. Review status: criteria provided, multiple submitters, no conflicts (2 of 4 stars). 2 submissions from 2 submitters: Uncertain significance (2). Last evaluated 2026-08-31.

Conditions:
Inborn genetic diseases. Identifiers: MedGen C0950123, MeSH D030342.
Aortic valve disease 2 (AOVD2). Identifiers: MedGen C3542024, MONDO:0013902, OMIM 614823.

Allele frequency attached by ClinVar (database versions not stated): gnomAD 0.00002; TOPMed 0.00003.
gnomAD v4.1: 4 of 1,228,578 alleles (0.00033%); highest among the groups gnomAD compares: African/African-American, 0.0031%; no homozygotes.

Submissions (2):

Ambry Genetics
Classification: Uncertain significance for Inborn genetic diseases. Last evaluated: 2026-08-31. Review status: criteria provided, single submitter. Criteria: Ambry Variant Classification Scheme 2023. Collection method: clinical testing. Allele origin: germline.
Comment: The p.G79C variant (also known as c.235G>T), located in coding exon 1 of the SMAD6 gene, results from a G to T substitution at nucleotide position 235. The glycine at codon 79 is replaced by cysteine, an amino acid with highly dissimilar properties. This amino acid position is conserved. In addition, this alteration is predicted to be tolerated by in silico analysis. Based on the available evidence, the clinical significance of this variant remains unclear.

Labcorp Genetics (formerly Invitae), Labcorp
Classification: Uncertain significance for Aortic valve disease 2. Last evaluated: 2023-06-03. Review status: criteria provided, single submitter. Criteria: Invitae Variant Classification Sherloc (09022015). Collection method: clinical testing. Allele origin: germline.
Comment: In summary, the available evidence is currently insufficient to determine the role of this variant in disease. Therefore, it has been classified as a Variant of Uncertain Significance. An algorithm developed to predict the effect of missense changes on protein structure and function (PolyPhen-2) suggests that this variant is likely to be tolerated. ClinVar contains an entry for this variant (Variation ID: 471753). This variant has not been reported in the literature in individuals affected with SMAD6-related conditions. This variant is present in population databases (no rsID available, gnomAD 0.01%). This sequence change replaces glycine, which is neutral and non-polar, with cysteine, which is neutral and slightly polar, at codon 79 of the SMAD6 protein (p.Gly79Cys).

NM_005585.5(SMAD6):c.235G>T (p.Gly79Cys)

Gene: SMAD6 (SMAD family member 6; plus strand). Cytogenetic location: 15q22.31.
Variant type: single nucleotide variant.
Coding change: c.235G>T on transcript NM_005585.5 (MANE Select); coding-DNA position 235, G replaced by T.
Protein change: p.Gly79Cys; replaces glycine 79 with cysteine.
Molecular consequence: missense variant. On other transcripts: non-coding transcript variant (1).
Genome position (GRCh38, 1-based): chr15:66,703,493, G>T. VCF-style: chr15-66703493-G-T. GRCh37 (hg19) VCF-style: chr15-66995831-G-T.
Other names: short protein forms G79C.
Identifiers: ClinVar variation 471753 (VCV000471753.11), dbSNP rs1318237027, ClinGen allele CA392948999.